The following is an entry in ClinVar:

NM_001174147.2(LMX1B):c.*2345G>A

Gene: LMX1B (LIM homeobox transcription factor 1 beta; plus strand). Cytogenetic location: 9q33.3.
Variant type: single nucleotide variant.
Coding change: c.*2345G>A on transcript NM_001174147.2 (MANE Select); 2345 bases downstream of the stop codon, G replaced by A.
Molecular consequence: 3 prime UTR variant.
Genome position (GRCh38, 1-based): chr9:126,698,796, G>A. VCF-style: chr9-126698796-G-A. GRCh37 (hg19) VCF-style: chr9-129461075-G-A.
Other names: c.*2345G>A (NM_001174146.2, NM_002316.4).
Identifiers: ClinVar variation 364953 (VCV000364953.5), dbSNP rs74429080, ClinGen allele CA10626408.

ClinVar aggregate classification (germline): Benign (1 of 4 stars; one submission).

Conditions:
Nail-patella syndrome (NPS). Also called: FONG DISEASE; ONYCHOOSTEODYSPLASIA; TURNER-KIESER SYNDROME. Identifiers: Orphanet 2614, MedGen C0027341, MONDO:0008061, OMIM 161200.

Allele frequency attached by ClinVar (database versions not stated): 1000 Genomes Project 0.01458; gnomAD 0.01484 and 0.01611; 1000 Genomes Project 30x 0.01640; TOPMed 0.01656.

Submission:

Illumina Laboratory Services, Illumina
Classification: Benign for Nail-patella syndrome. Last evaluated: 2018-01-12. Review status: criteria provided, single submitter. Criteria: ICSL Variant Classification Criteria 13 December 2019. Collection method: clinical testing. Allele origin: germline.
Comment: This variant was observed in the ICSL laboratory as part of a predisposition screen in an ostensibly healthy population. It had not been previously curated by ICSL or reported in the Human Gene Mutation Database (HGMD: prior to June 1st, 2018), and was therefore a candidate for classification through an automated scoring system. Utilizing variant allele frequency, disease prevalence and penetrance estimates, and inheritance mode, an automated score was calculated to assess if this variant is too frequent to cause the disease. Based on the score and internal cut-off values, a variant classified as benign is not then subjected to further curation. The score for this variant resulted in a classification of benign for this disease.